The following is an entry in ClinVar:

ClinVar aggregate classification (germline): Uncertain significance (1 of 4 stars; one submission).

Conditions:
Autosomal recessive limb-girdle muscular dystrophy type R18 (LGMDR18). Also called: Autosomal recessive limb-girdle muscular dystrophy type 2S; Limb-girdle muscular dystrophy, type 2S; MUSCULAR DYSTROPHY, LIMB-GIRDLE, AUTOSOMAL RECESSIVE 18. Identifiers: Orphanet 369840, MedGen C4517996, MONDO:0014144, OMIM 615356.

Allele frequency attached by ClinVar (database versions not stated): ExAC 0.00002; gnomAD 0.00002; TOPMed 0.00003; ESP Exome Variant Server 0.00008.
gnomAD v4.1: 6 of 1,613,686 alleles (0.00037%); highest among the groups gnomAD compares: African/African-American, 0.0053%; no homozygotes.

Submission:

Labcorp Genetics (formerly Invitae), Labcorp
Classification: Uncertain significance for Autosomal recessive limb-girdle muscular dystrophy type R18. Last evaluated: 2022-05-25. Review status: criteria provided, single submitter. Criteria: Invitae Variant Classification Sherloc (09022015). Collection method: clinical testing. Allele origin: germline.
Comment: This sequence change replaces arginine, which is basic and polar, with glycine, which is neutral and non-polar, at codon 120 of the TRAPPC11 protein (p.Arg120Gly). This variant is present in population databases (rs376462004, gnomAD 0.02%). In summary, the available evidence is currently insufficient to determine the role of this variant in disease. Therefore, it has been classified as a Variant of Uncertain Significance. Algorithms developed to predict the effect of missense changes on protein structure and function (SIFT, PolyPhen-2, Align-GVGD) all suggest that this variant is likely to be tolerated. This variant has not been reported in the literature in individuals affected with TRAPPC11-related conditions.

NM_021942.6(TRAPPC11):c.358A>G (p.Arg120Gly)

Gene: TRAPPC11 (trafficking protein particle complex subunit 11; plus strand). Cytogenetic location: 4q35.1.
Variant type: single nucleotide variant.
Coding change: c.358A>G on transcript NM_021942.6 (MANE Select); coding-DNA position 358, A replaced by G.
Protein change: p.Arg120Gly; replaces arginine 120 with glycine.
Molecular consequence: missense variant.
Genome position (GRCh38, 1-based): chr4:183,666,410, A>G. VCF-style: chr4-183666410-A-G. GRCh37 (hg19) VCF-style: chr4-184587563-A-G.
Other names: c.358A>G, p.Arg120Gly (NM_199053.3); short protein forms R120G.
Identifiers: ClinVar variation 2196564 (VCV002196564.4), dbSNP rs376462004, ClinGen allele CA3151555.